The following is an entry in ClinVar:

NM_000944.5(PPP3CA):c.1144G>T (p.Asp382Tyr)

Gene: PPP3CA (protein phosphatase 3 catalytic subunit alpha; minus strand). Cytogenetic location: 4q24.
Variant type: single nucleotide variant.
Coding change: c.1144G>T on transcript NM_000944.5 (MANE Select); coding-DNA position 1144, G replaced by T.
Protein change: p.Asp382Tyr; replaces aspartic acid 382 with tyrosine.
Molecular consequence: missense variant.
Genome position (GRCh38, 1-based): chr4:101,061,099, C>A on the plus strand (G>T on the coding strand, the complement: PPP3CA is on the minus strand). VCF-style: chr4-101061099-C-A. GRCh37 (hg19) VCF-style: chr4-101982256-C-A.
Other names: c.1144G>T, p.Asp382Tyr (NM_001130691.2); c.1018G>T, p.Asp340Tyr (NM_001130692.2); short protein forms D340Y, D382Y.
Identifiers: ClinVar variation 3764436 (VCV003764436.1).
Genomic context (GRCh38, chr4:101,061,099, plus strand): 5'-AGTAATTATCTGGCAAATAGCATTAGCACAAAGGCTCAAGCCTCTTACCATCAAATCCAT[C>A]TTCTTCTGACCCTAGTTCATCATCTGAGCAGATGTTGAGGACATTTACCAGCATCTCAGT-3'
Protein context (NP_000935.1, residues 372-392): CSDDELGSEE[Asp382Tyr]GFDGATAAAR

ClinVar aggregate classification (germline): Uncertain significance (1 of 4 stars; one submission).

Submission:

GeneDx
Classification: Uncertain significance. Last evaluated: 2024-08-20. Review status: criteria provided, single submitter. Criteria: GeneDx Variant Classification Process June 2021. Collection method: clinical testing. Allele origin: germline. Affected: yes.
Comment: Not observed at significant frequency in large population cohorts (gnomAD); In silico analysis supports that this missense variant has a deleterious effect on protein structure/function; Has not been previously published as pathogenic or benign to our knowledge